The following is an entry in ClinVar:

ClinVar aggregate classification (germline): Uncertain significance (1 of 4 stars; one submission).

Conditions:
Agammaglobulinemia 2, autosomal recessive (AGM2). Also called: AGAMMAGLOBULINEMIA, AUTOSOMAL RECESSIVE, DUE TO IGLL1 DEFECT. Identifiers: MedGen C3150750, MONDO:0013287, OMIM 613500.

Submission:

Labcorp Genetics (formerly Invitae), Labcorp
Classification: Uncertain significance for Agammaglobulinemia 2, autosomal recessive. Last evaluated: 2022-02-23. Review status: criteria provided, single submitter. Criteria: Invitae Variant Classification Sherloc (09022015). Collection method: clinical testing. Allele origin: germline.
Comment: This variant has not been reported in the literature in individuals affected with IGLL1-related conditions. This variant is present in population databases (no rsID available, gnomAD 0.03%). This sequence change creates a premature translational stop signal (p.Ile156Serfs*7) in the IGLL1 gene. While this is not anticipated to result in nonsense mediated decay, it is expected to disrupt the last 58 amino acid(s) of the IGLL1 protein. Experimental studies and prediction algorithms are not available or were not evaluated, and the functional significance of this variant is currently unknown. In summary, the available evidence is currently insufficient to determine the role of this variant in disease. Therefore, it has been classified as a Variant of Uncertain Significance.

NM_020070.4(IGLL1):c.465del (p.Ile156fs)

Gene: IGLL1 (immunoglobulin lambda like polypeptide 1; minus strand). Cytogenetic location: 22q11.23.
Variant type: Deletion.
Coding change: c.465del on transcript NM_020070.4 (MANE Select); coding-DNA position 465, one base deleted (C; older notation c.465delC).
Protein change: p.Ile156fs; shifts the reading frame from isoleucine 156.
Molecular consequence: frameshift variant. On other transcripts: 3 prime UTR variant (1).
Genome position (GRCh38, 1-based): chr22:23,573,443, G deleted on the plus strand (C on the coding strand, the reverse complement: IGLL1 is on the minus strand); the first of 5 consecutive G bases (chr22:23,573,443-23,573,447); deleting any one gives the same sequence. VCF-style (leftmost placement, unchanged base first): chr22-23573442-TG-T. GRCh37 (hg19) VCF-style: chr22-23915629-TG-T.
Other names: c.468del, p.Ile157fs (NM_001369906.1); c.*94del (NM_152855.3); short protein forms I156fs, I157fs.
Identifiers: ClinVar variation 1912382 (VCV001912382.5), dbSNP rs1157281882, ClinGen allele CA638949829.